The following is an entry in ClinVar:

NM_005876.5(SPEG):c.7937G>A (p.Arg2646Gln)

Genes: ASIC4-AS1 (ASIC4 antisense RNA 1; minus strand), SPEG (striated muscle enriched protein kinase; plus strand). Cytogenetic location: 2q35.
Variant type: single nucleotide variant.
Coding change: c.7937G>A on transcript NM_005876.5 (MANE Select); coding-DNA position 7937, G replaced by A.
Protein change: p.Arg2646Gln; replaces arginine 2646 with glutamine.
Molecular consequence: missense variant.
Genome position (GRCh38, 1-based): chr2:219,488,576, G>A. VCF-style: chr2-219488576-G-A. GRCh37 (hg19) VCF-style: chr2-220353298-G-A.
Other names: short protein forms R2646Q.
Identifiers: ClinVar variation 1464106 (VCV001464106.3), dbSNP rs201143360, ClinGen allele CA2127331.

ClinVar aggregate classification (germline): Uncertain significance (1 of 4 stars; one submission).

Allele frequency attached by ClinVar (database versions not stated): gnomAD 0.00001; ExAC 0.00005; 1000 Genomes Project 30x 0.00031; 1000 Genomes Project 0.00040.
gnomAD v4.1: 48 of 1,612,132 alleles (0.003%); highest among the groups gnomAD compares: South Asian, 0.046%; no homozygotes.

Submission:

Labcorp Genetics (formerly Invitae), Labcorp
Classification: Uncertain significance. Last evaluated: 2021-11-24. Review status: criteria provided, single submitter. Criteria: Invitae Variant Classification Sherloc (09022015). Collection method: clinical testing. Allele origin: germline.
Comment: This sequence change replaces arginine, which is basic and polar, with glutamine, which is neutral and polar, at codon 2646 of the SPEG protein (p.Arg2646Gln). This variant is present in population databases (rs201143360, gnomAD 0.03%). This variant has not been reported in the literature in individuals affected with SPEG-related conditions. Algorithms developed to predict the effect of missense changes on protein structure and function are either unavailable or do not agree on the potential impact of this missense change (SIFT: "Deleterious"; PolyPhen-2: "Probably Damaging"; Align-GVGD: "Class C0"). Algorithms developed to predict the effect of sequence changes on RNA splicing suggest that this variant may create or strengthen a splice site. In summary, the available evidence is currently insufficient to determine the role of this variant in disease. Therefore, it has been classified as a Variant of Uncertain Significance.